The following is an entry in ClinVar:

ClinVar aggregate classification (germline): Uncertain significance (1 of 4 stars; one submission).

Conditions:
Congenital muscular hypertrophy-cerebral syndrome (CDLS2). Also called: Cornelia de Lange syndrome 2; SMC1A-Related Cornelia de Lange Syndrome. Identifiers: Orphanet 199, MedGen C1802395, MONDO:0010370, OMIM 300590.

Submission:

Labcorp Genetics (formerly Invitae), Labcorp
Classification: Uncertain significance for Congenital muscular hypertrophy-cerebral syndrome. Last evaluated: 2023-11-20. Review status: criteria provided, single submitter. Criteria: Invitae Variant Classification Sherloc (09022015). Collection method: clinical testing. Allele origin: germline.
Comment: This sequence change replaces leucine, which is neutral and non-polar, with proline, which is neutral and non-polar, at codon 719 of the SMC1A protein (p.Leu719Pro). This variant is not present in population databases (gnomAD no frequency). This variant has not been reported in the literature in individuals affected with SMC1A-related conditions. Advanced modeling of protein sequence and biophysical properties (such as structural, functional, and spatial information, amino acid conservation, physicochemical variation, residue mobility, and thermodynamic stability) has been performed at Invitae for this missense variant, however the output from this modeling did not meet the statistical confidence thresholds required to predict the impact of this variant on SMC1A protein function. In summary, the available evidence is currently insufficient to determine the role of this variant in disease. Therefore, it has been classified as a Variant of Uncertain Significance.

NM_006306.4(SMC1A):c.2156T>C (p.Leu719Pro)

Gene: SMC1A (structural maintenance of chromosomes 1A; minus strand). Cytogenetic location: Xp11.22.
Variant type: single nucleotide variant.
Coding change: c.2156T>C on transcript NM_006306.4 (MANE Select); coding-DNA position 2156, T replaced by C.
Protein change: p.Leu719Pro; replaces leucine 719 with proline.
Molecular consequence: missense variant.
Genome position (GRCh38, 1-based): chrX:53,405,052, A>G on the plus strand (T>C on the coding strand, the complement: SMC1A is on the minus strand). VCF-style: chrX-53405052-A-G. GRCh37 (hg19) VCF-style: chrX-53431984-A-G.
Other names: c.2090T>C, p.Leu697Pro (NM_001281463.1); short protein forms L719P, L697P.
Identifiers: ClinVar variation 2697764 (VCV002697764.3), dbSNP rs2520926178, ClinGen allele CA413251683.
Genomic context (GRCh38, chrX:53,405,052, plus strand): 5'-GGCTGAAGGCCAGGCCCCACCTGCAGATTCAGGGCTAGATGTCGTGTCTTGGTCTGTTCT[A>G]GGTCACTCTGGGAGTACTTGAGCCGCATCTGCAGTCCATGGGCCTGAGACTGCACCTGAC-3'
Protein context (NP_006297.2, residues 709-729): QMRLKYSQSD[Leu719Pro]EQTKTRHLAL